The following is an entry in ClinVar:

NM_014920.5(CILK1):c.1186G>C (p.Glu396Gln)

Gene: CILK1 (ciliogenesis associated kinase 1; minus strand). Cytogenetic location: 6p12.1.
Variant type: single nucleotide variant.
Coding change: c.1186G>C on transcript NM_014920.5 (MANE Select); coding-DNA position 1186, G replaced by C.
Protein change: p.Glu396Gln; replaces glutamic acid 396 with glutamine.
Molecular consequence: missense variant. On other transcripts: non-coding transcript variant (1).
Genome position (GRCh38, 1-based): chr6:53,012,194, C>G on the plus strand (G>C on the coding strand, the complement: CILK1 is on the minus strand). VCF-style: chr6-53012194-C-G. GRCh37 (hg19) VCF-style: chr6-52876992-C-G.
Other names: c.1207G>C, p.Glu403Gln (NM_001375397.1); c.1186G>C, p.Glu396Gln (NM_001375398.1, NM_001375399.1, NM_001375400.1 and 3 more transcripts); short protein forms E396Q, E403Q.
Identifiers: ClinVar variation 3145001 (VCV003145001.1), dbSNP rs777408147, ClinGen allele CA3858603.
Genomic context (GRCh38, chr6:53,012,194, plus strand): 5'-CTGAATCCTTTGTTGACCTGGAAATAAGACCCCACCTTCTCCTACTCTTTGGCTTTATCT[C>G]ACCATTTTTGTGCTCCAGGCCAGCTGTGATTTTCTGTGTAAACAAACGGGGTGGGGGAAA-3'
Protein context (NP_055735.1, residues 386-406): ITAGLEHKNG[Glu396Gln]IKPKSRRRWG

ClinVar aggregate classification (germline): Uncertain significance (1 of 4 stars; one submission).

Allele frequency attached by ClinVar (database versions not stated): ExAC 0.00001; gnomAD exomes 0.00001; TOPMed 0.00001.
gnomAD v4.1: 6 of 1,614,156 alleles (0.00037%); highest among the groups gnomAD compares: Admixed American, 0.01%; no homozygotes.

Submission:

Ambry Genetics
Classification: Uncertain significance. Last evaluated: 2021-03-30. Review status: criteria provided, single submitter. Criteria: Ambry Variant Classification Scheme 2023. Collection method: clinical testing. Allele origin: germline.
Comment: The c.1186G>C (p.E396Q) alteration is located in exon 11 (coding exon 9) of the ICK gene. This alteration results from a G to C substitution at nucleotide position 1186, causing the glutamic acid (E) at amino acid position 396 to be replaced by a glutamine (Q). The p.E396Q alteration is predicted to be tolerated by in silico analysis. Based on insufficient or conflicting evidence, the clinical significance of this alteration remains unclear.